The following is an entry in ClinVar:

NM_001148.6(ANK2):c.764G>A (p.Arg255Gln)

Gene: ANK2 (ankyrin 2; plus strand). Cytogenetic location: 4q26.
Variant type: single nucleotide variant.
Coding change: c.764G>A on transcript NM_001148.6 (MANE Select); coding-DNA position 764, G replaced by A.
Protein change: p.Arg255Gln; replaces arginine 255 with glutamine.
Molecular consequence: missense variant.
Genome position (GRCh38, 1-based): chr4:113,240,555, G>A. VCF-style: chr4-113240555-G-A. GRCh37 (hg19) VCF-style: chr4-114161711-G-A.
Other names: c.764G>A (NM_001148.4); c.701G>A, p.Arg234Gln (NM_001127493.3, NM_001354239.2, NM_001354243.2 and 14 more transcripts); c.764G>A, p.Arg255Gln (NM_001354225.2, NM_001354228.2, NM_001354232.2 and 9 more transcripts); c.809G>A, p.Arg270Gln (NM_001354230.2, NM_001354231.2, NM_001354237.2 and 5 more transcripts); c.677G>A, p.Arg226Gln (NM_001354249.2, NM_001354260.2, NM_001354264.2 and 16 more transcripts); c.722G>A, p.Arg241Gln (NM_001354261.2, NM_001386147.1, NM_001386160.1); c.752G>A, p.Arg251Gln (NM_001354269.3, NM_001386148.2, NM_001386186.2); c.815G>A, p.Arg272Gln (NM_001386174.1); and 2 more; short protein forms R226Q, R241Q, R264Q, R272Q, R270Q, R234Q, R243Q, R255Q.
Identifiers: ClinVar variation 1488802 (VCV001488802.8), dbSNP rs764008198, ClinGen allele CA3050106.

ClinVar aggregate classification (germline): Uncertain significance. Review status: criteria provided, multiple submitters, no conflicts (2 of 4 stars). 2 submissions from 2 submitters: Uncertain significance (2). Last evaluated 2024-11-07.

Conditions:
Cardiovascular phenotype. Identifiers: MedGen CN230736.
Long QT syndrome (LQTS). Identifiers: MedGen C0023976, MeSH D008133, MONDO:0002442. Disease mechanism: loss of function. Inheritance: Various modes of inheritance.

Allele frequency attached by ClinVar (database versions not stated): gnomAD exomes below 0.00001; ExAC 0.00001; gnomAD 0.00002; TOPMed 0.00002.
gnomAD v4.1: 78 of 1,613,636 alleles (0.0048%); highest among the groups gnomAD compares: Non-Finnish European, 0.0063%; no homozygotes.

Submissions (2):

Ambry Genetics
Classification: Uncertain significance for Cardiovascular phenotype. Last evaluated: 2024-11-07. Review status: criteria provided, single submitter. Criteria: Ambry Variant Classification Scheme 2023. Collection method: clinical testing. Allele origin: germline.

Labcorp Genetics (formerly Invitae), Labcorp
Classification: Uncertain significance for Long QT syndrome. Last evaluated: 2021-08-05. Review status: criteria provided, single submitter. Criteria: Invitae Variant Classification Sherloc (09022015). Collection method: clinical testing. Allele origin: germline.
Comment: In summary, the available evidence is currently insufficient to determine the role of this variant in disease. Therefore, it has been classified as a Variant of Uncertain Significance. Algorithms developed to predict the effect of sequence changes on RNA splicing suggest that this variant may create or strengthen a splice site. Algorithms developed to predict the effect of missense changes on protein structure and function are either unavailable or do not agree on the potential impact of this missense change (SIFT: "Deleterious"; PolyPhen-2: "Probably Damaging"; Align-GVGD: "Class C0"). This variant has not been reported in the literature in individuals affected with ANK2-related conditions. This variant is present in population databases (rs764008198, ExAC 0.01%). This sequence change replaces arginine with glutamine at codon 255 of the ANK2 protein (p.Arg255Gln). The arginine residue is moderately conserved and there is a small physicochemical difference between arginine and glutamine.